The following is an entry in ClinVar:

ClinVar aggregate classification (germline): Uncertain significance. Review status: criteria provided, multiple submitters, no conflicts (2 of 4 stars). 3 submissions from 3 submitters: Uncertain significance (3). Last evaluated 2025-06-02.

Conditions:
Hereditary cancer-predisposing syndrome. Also called: Tumor predisposition; Neoplastic Syndromes, Hereditary; Hereditary neoplastic syndrome; Hereditary Cancer Syndrome. Identifiers: Orphanet 140162, MedGen C0027672, MeSH D009386, MONDO:0015356.
Endometrial carcinoma. Also called: Endometrial carcinoma, somatic. Identifiers: MedGen C0476089, MONDO:0002447, OMIM 608089, HP:0012114.

Allele frequency attached by ClinVar (database versions not stated): gnomAD exomes below 0.00001; gnomAD 0.00001; TOPMed 0.00003.
gnomAD v4.1: 6 of 1,613,870 alleles (0.00037%); highest among the groups gnomAD compares: East Asian, 0.0089%; no homozygotes.

Submissions (3):

Labcorp Genetics (formerly Invitae), Labcorp
Classification: Uncertain significance. Last evaluated: 2025-06-02. Review status: criteria provided, single submitter. Criteria: Invitae Variant Classification Sherloc (09022015). Collection method: clinical testing. Allele origin: germline.
Comment: This sequence change replaces proline, which is neutral and non-polar, with threonine, which is neutral and polar, at codon 286 of the MSH3 protein (p.Pro286Thr). This variant is present in population databases (no rsID available, gnomAD 0.02%). This variant has not been reported in the literature in individuals affected with MSH3-related conditions. ClinVar contains an entry for this variant (Variation ID: 1020089). An algorithm developed to predict the effect of missense changes on protein structure and function (PolyPhen-2) suggests that this variant is likely to be disruptive. In summary, the available evidence is currently insufficient to determine the role of this variant in disease. Therefore, it has been classified as a Variant of Uncertain Significance.

Ambry Genetics
Classification: Uncertain significance for Hereditary cancer-predisposing syndrome. Last evaluated: 2024-03-30. Review status: criteria provided, single submitter. Criteria: Ambry Variant Classification Scheme 2023. Collection method: clinical testing. Allele origin: germline.
Comment: The p.P286T variant (also known as c.856C>A), located in coding exon 5 of the MSH3 gene, results from a C to A substitution at nucleotide position 856. The proline at codon 286 is replaced by threonine, an amino acid with highly similar properties. This amino acid position is conserved. In addition, this alteration is predicted to be deleterious by in silico analysis. Since supporting evidence is limited at this time, the clinical significance of this alteration remains unclear.

Baylor Genetics
Classification: Uncertain significance for Endometrial carcinoma. Last evaluated: 2024-03-11. Review status: criteria provided, single submitter. Criteria: ACMG Guidelines, 2015. Collection method: clinical testing. Allele origin: unknown.

NM_002439.5(MSH3):c.856C>A (p.Pro286Thr)

Gene: MSH3 (mutS homolog 3; plus strand). Cytogenetic location: 5q14.1.
Variant type: single nucleotide variant.
Coding change: c.856C>A on transcript NM_002439.5 (MANE Select); coding-DNA position 856, C replaced by A.
Protein change: p.Pro286Thr; replaces proline 286 with threonine.
Molecular consequence: missense variant.
Genome position (GRCh38, 1-based): chr5:80,672,307, C>A. VCF-style: chr5-80672307-C-A. GRCh37 (hg19) VCF-style: chr5-79968126-C-A.
Other names: short protein forms P286T.
Identifiers: ClinVar variation 1020089 (VCV001020089.10), dbSNP rs1249933854, ClinGen allele CA360267191.